The following is an entry in ClinVar:

ClinVar aggregate classification (germline): Uncertain significance (1 of 4 stars; one submission).

Conditions:
Epidermodysplasia verruciformis. Identifiers: Orphanet 302, MedGen C0014522, MONDO:0009176.

gnomAD v4.1: 1 of 1,569,038 alleles (0.000064%); highest among the groups gnomAD compares: Non-Finnish European, 0.000086%; no homozygotes.

Submission:

Labcorp Genetics (formerly Invitae), Labcorp
Classification: Uncertain significance for Epidermodysplasia verruciformis. Last evaluated: 2022-09-13. Review status: criteria provided, single submitter. Criteria: Invitae Variant Classification Sherloc (09022015). Collection method: clinical testing. Allele origin: germline.
Comment: In summary, the available evidence is currently insufficient to determine the role of this variant in disease. Therefore, it has been classified as a Variant of Uncertain Significance. Algorithms developed to predict the effect of missense changes on protein structure and function are either unavailable or do not agree on the potential impact of this missense change (SIFT: "Not Available"; PolyPhen-2: "Possibly Damaging"; Align-GVGD: "Not Available"). ClinVar contains an entry for this variant (Variation ID: 1385932). This variant has not been reported in the literature in individuals affected with TMC6-related conditions. This variant is not present in population databases (gnomAD no frequency). This sequence change replaces arginine with glycine at codon 80 of the TMC6 protein (p.Arg80Gly). The arginine residue is moderately conserved and there is a moderate physicochemical difference between arginine and glycine.

NM_001127198.5(TMC6):c.238C>G (p.Arg80Gly)

Gene: TMC6 (transmembrane channel like 6; minus strand). Cytogenetic location: 17q25.3.
Variant type: single nucleotide variant.
Coding change: c.238C>G on transcript NM_001127198.5 (MANE Select); coding-DNA position 238, C replaced by G.
Protein change: p.Arg80Gly; replaces arginine 80 with glycine.
Molecular consequence: missense variant. On other transcripts: non-coding transcript variant (4).
Genome position (GRCh38, 1-based): chr17:78,126,310, G>C on the plus strand (C>G on the coding strand, the complement: TMC6 is on the minus strand). VCF-style: chr17-78126310-G-C. GRCh37 (hg19) VCF-style: chr17-76122391-G-C.
Other names: c.238C>G, p.Arg80Gly (NM_001321185.1, NM_001374593.1, NM_001374594.1 and 4 more transcripts); short protein forms R80G.
Identifiers: ClinVar variation 1385932 (VCV001385932.6), dbSNP rs564531007, ClinGen allele CA401236044.